The following is an entry in ClinVar:

ClinVar aggregate classification (germline): Likely benign. Review status: criteria provided, multiple submitters, no conflicts (2 of 4 stars). 3 submissions from 3 submitters: Likely benign (2). 1 of the submissions does not count toward it. Last evaluated 2025-04-05.

Conditions:
CDH23-related disorder. Also called: CDH23-related disorders; CDH23-related condition.
Usher syndrome type 1 (USH1). Also called: RETINITIS PIGMENTOSA AND CONGENITAL DEAFNESS. Identifiers: Orphanet 231169, Orphanet 886, MedGen C1568247, MONDO:0010168, OMIM 276900.

Allele frequency attached by ClinVar (database versions not stated): TOPMed below 0.00001; gnomAD exomes 0.00001 and 0.00002; ExAC 0.00002; gnomAD 0.00004.
gnomAD v4.1: 16 of 1,613,300 alleles (0.00099%); highest among the groups gnomAD compares: Non-Finnish European, 0.0014%; no homozygotes.

Submissions (3):

PreventionGenetics, part of Exact Sciences
Classification: Likely benign for CDH23-related condition. Last evaluated: 2025-04-05. Review status: criteria provided, single submitter. Criteria: ACMG Guidelines, 2015. Collection method: clinical testing. Allele origin: germline.
Comment: This variant is classified as likely benign based on ACMG/AMP sequence variant interpretation guidelines (Richards et al. 2015 PMID: 25741868, with internal and published modifications).

Labcorp Genetics (formerly Invitae), Labcorp
Classification: Likely benign. Last evaluated: 2023-09-15. Review status: criteria provided, single submitter. Criteria: Invitae Variant Classification Sherloc (09022015). Collection method: clinical testing. Allele origin: germline.

Natera, Inc.
Classification: Uncertain significance for Usher syndrome type 1. Last evaluated: 2021-09-24. Review status: no assertion criteria provided. Collection method: clinical testing. Allele origin: germline. Not counted in ClinVar's aggregate classification.

NM_022124.6(CDH23):c.8790G>A (p.Val2930=)

Gene: CDH23 (cadherin related 23; plus strand). Cytogenetic location: 10q22.1.
Variant type: single nucleotide variant.
Coding change: c.8790G>A on transcript NM_022124.6 (MANE Select); coding-DNA position 8790, G replaced by A.
Protein change: p.Val2930=; no amino-acid change (valine 2930 retained).
Molecular consequence: synonymous variant.
Genome position (GRCh38, 1-based): chr10:71,809,887, G>A. VCF-style: chr10-71809887-G-A. GRCh37 (hg19) VCF-style: chr10-73569644-G-A.
Other names: c.2070G>A, p.Val690= (NM_001171933.1, NM_001171934.1).
Identifiers: ClinVar variation 963541 (VCV000963541.11), dbSNP rs753235775, ClinGen allele CA5546755.